The following is an entry in ClinVar:

NM_000089.4(COL1A2):c.611C>A (p.Pro204His)

Gene: COL1A2 (collagen type I alpha 2 chain; plus strand). Cytogenetic location: 7q21.3.
Variant type: single nucleotide variant.
Coding change: c.611C>A on transcript NM_000089.4 (MANE Select); coding-DNA position 611, C replaced by A.
Protein change: p.Pro204His; replaces proline 204 with histidine.
Molecular consequence: missense variant.
Genome position (GRCh38, 1-based): chr7:94,407,863, C>A. VCF-style: chr7-94407863-C-A. GRCh37 (hg19) VCF-style: chr7-94037175-C-A.
Other names: short protein forms P204H.
Identifiers: ClinVar variation 5034722 (VCV005034722.1).
Genomic context (GRCh38, chr7:94,407,863, plus strand): 5'-ATTGTTATATTTAATGAACAAAAACTCAATCCTTCTCCATGTAGGGTGAACCTGGTGCCC[C>A]TGGTGAAAATGGAACTCCAGGTCAAACAGTAAGTATTGACTACTTCATTGTAAATTTAAA-3'
Protein context (NP_000080.2, residues 194-214): APGVKGEPGA[Pro204His]GENGTPGQTG

ClinVar aggregate classification (germline): Uncertain significance (1 of 4 stars; one submission).

Conditions:
Cardiovascular phenotype. Identifiers: MedGen CN230736.

Submission:

Ambry Genetics
Classification: Uncertain significance for Cardiovascular phenotype. Last evaluated: 2026-07-24. Review status: criteria provided, single submitter. Criteria: Ambry Variant Classification Scheme 2023. Collection method: clinical testing. Allele origin: germline.
Comment: The p.P204H variant (also known as c.611C>A), located in coding exon 13 of the COL1A2 gene, results from a C to A substitution at nucleotide position 611. The proline at codon 204 is replaced by histidine, an amino acid with similar properties. This amino acid position is conserved. In addition, the in silico prediction for this alteration is inconclusive. Based on the available evidence, the clinical significance of this variant remains unclear.